The following is an entry in ClinVar:

NM_177531.6(PKHD1L1):c.516C>T (p.Val172=)

Gene: PKHD1L1 (PKHD1 like 1; plus strand). Cytogenetic location: 8q23.1.
Variant type: single nucleotide variant.
Coding change: c.516C>T on transcript NM_177531.6 (MANE Select); coding-DNA position 516, C replaced by T.
Protein change: p.Val172=; no amino-acid change (valine 172 retained).
Molecular consequence: synonymous variant.
Genome position (GRCh38, 1-based): chr8:109,385,577, C>T. VCF-style: chr8-109385577-C-T. GRCh37 (hg19) VCF-style: chr8-110397806-C-T.
Identifiers: ClinVar variation 4083726 (VCV004083726.8).

ClinVar aggregate classification (germline): Likely benign (1 of 4 stars; one submission).

gnomAD v4.1: 775 of 1,605,812 alleles (0.048%); highest among the groups gnomAD compares: Middle Eastern, 0.25%; 4 homozygotes.

Submission:

CeGaT Center for Human Genetics Tuebingen
Classification: Likely benign. Last evaluated: 2025-09-01. Review status: criteria provided, single submitter. Criteria: CeGaT Center For Human Genetics Tuebingen Variant Classification Criteria Version 2. Collection method: clinical testing. Allele origin: germline. Affected: yes. Observed: 2 variant alleles.
Comment: PKHD1L1: BP4, BS2